The following is an entry in ClinVar:

NM_017852.5(NLRP2):c.1400G>A (p.Arg467Gln)

Gene: NLRP2 (NLR family pyrin domain containing 2; plus strand). Cytogenetic location: 19q13.42.
Variant type: single nucleotide variant.
Coding change: c.1400G>A on transcript NM_017852.5 (MANE Select); coding-DNA position 1400, G replaced by A.
Protein change: p.Arg467Gln; replaces arginine 467 with glutamine.
Molecular consequence: missense variant. On other transcripts: non-coding transcript variant (1).
Genome position (GRCh38, 1-based): chr19:54,983,098, G>A. VCF-style: chr19-54983098-G-A. GRCh37 (hg19) VCF-style: chr19-55494466-G-A.
Other names: c.1400G>A, p.Arg467Gln (NM_001174081.3); c.1334G>A, p.Arg445Gln (NM_001174082.3); c.1331G>A, p.Arg444Gln (NM_001174083.2); c.1391G>A, p.Arg464Gln (NM_001348003.2); short protein forms R444Q, R445Q, R464Q, R467Q.
Identifiers: ClinVar variation 3051047 (VCV003051047.2), dbSNP rs147804224, ClinGen allele CA310104607.

ClinVar aggregate classification (germline): Likely benign (0 of 4 stars; one submission).

Conditions:
NLRP2-related disorder. Also called: NLRP2-related condition.

Allele frequency attached by ClinVar (database versions not stated): 1000 Genomes Project 30x 0.00062; 1000 Genomes Project 0.00080; ESP Exome Variant Server 0.00054.
gnomAD v4.1: 951 of 1,613,296 alleles (0.059%); highest among the groups gnomAD compares: Middle Eastern, 0.52%; 2 homozygotes.

Submission:

PreventionGenetics, part of Exact Sciences
Classification: Likely benign for NLRP2-related condition. Last evaluated: 2020-01-20. Review status: no assertion criteria provided. Collection method: clinical testing. Allele origin: germline.
Comment: This variant is classified as likely benign based on ACMG/AMP sequence variant interpretation guidelines (Richards et al. 2015 PMID: 25741868, with internal and published modifications).